The following is an entry in ClinVar:

NM_004360.5(CDH1):c.2293C>T (p.Gln765Ter)

Gene: CDH1 (cadherin 1; plus strand). Cytogenetic location: 16q22.1.
Variant type: single nucleotide variant.
Coding change: c.2293C>T on transcript NM_004360.5 (MANE Select); coding-DNA position 2293, C replaced by T.
Protein change: p.Gln765Ter; replaces glutamine 765 with a stop codon.
Molecular consequence: nonsense.
Genome position (GRCh38, 1-based): chr16:68,828,302, C>T. VCF-style: chr16-68828302-C-T. GRCh37 (hg19) VCF-style: chr16-68862205-C-T.
Other names: c.2110C>T, p.Gln704Ter (NM_001317184.2); c.745C>T, p.Gln249Ter (NM_001317185.2); c.328C>T, p.Gln110Ter (NM_001317186.2); short protein forms Q765*, Q704*, Q110*, Q249*.
Identifiers: ClinVar variation 230451 (VCV000230451.11), dbSNP rs876658575, ClinGen allele CA10580156.

ClinVar aggregate classification (germline): Pathogenic. Review status: reviewed by expert panel (3 of 4 stars). 4 submissions from 4 submitters: Pathogenic (1). 3 of the submissions do not count toward it. Last evaluated 2023-08-29.

Conditions:
CDH1-related diffuse gastric and lobular breast cancer syndrome. Also called: CDH1-related diffuse gastric and lobular breast cancer. Identifiers: MedGen CN311521, MONDO:0100488.
Hereditary cancer-predisposing syndrome. Also called: Hereditary Cancer Syndrome; Neoplastic Syndromes, Hereditary; Tumor predisposition; Hereditary neoplastic syndrome. Identifiers: Orphanet 140162, MedGen C0027672, MeSH D009386, MONDO:0015356.
Hereditary diffuse gastric adenocarcinoma (HDGC). Also called: DIFFUSE GASTRIC AND LOBULAR BREAST CANCER SYNDROME. Identifiers: Orphanet 26106, MedGen C1708349, MONDO:0007648, OMIM 137215.

Submissions (4):

Clingen Gastric Cancer Variant Curation Expert Panel
Classification: Pathogenic for CDH1-related diffuse gastric and lobular breast cancer syndrome. Last evaluated: 2023-08-29. Review status: reviewed by expert panel. Criteria: ClinGen CDH1 ACMG Specifications V3.1. Collection method: curation. Allele origin: germline. Inheritance: Autosomal dominant inheritance.
Comment: The c.2293C>T (p.Gln765*) variant is predicted to result in a premature stop codon that leads to a truncated or absent protein (PVS1, PM5_Supporting). This variant is absent in the gnomAD cohort (PM2_Supporting). The variant has been reported in at least one family meeting HDGC clinical criteria (PS4_Supporting; SCV000839094.1). In summary, this variant meets criteria to be classified as pathogenic based on the ACMG/AMP criteria applied as specified by the CDH1 Variant Curation Expert Panel (Variant Interpretation Guidelines Version 3.1): PVS1, PM2_Supporting, PS4_Supporting, PM5_Supporting.

Myriad Genetics, Inc.
Classification: Pathogenic for Hereditary diffuse gastric adenocarcinoma. Last evaluated: 2023-06-15. Review status: criteria provided, single submitter. Criteria: Myriad Autosomal Dominant, Autosomal Recessive and X-Linked Classification Criteria (2023). Collection method: clinical testing. Allele origin: unknown. Not counted in ClinVar's aggregate classification.
Comment: This variant is considered pathogenic. This variant creates a termination codon and is predicted to result in premature protein truncation.

Ambry Genetics
Classification: Pathogenic for Hereditary cancer-predisposing syndrome. Last evaluated: 2021-03-10. Review status: criteria provided, single submitter. Criteria: Ambry Variant Classification Scheme 2023. Collection method: clinical testing. Allele origin: germline. Not counted in ClinVar's aggregate classification.
Comment: The p.Q765* pathogenic mutation (also known as c.2293C>T), located in coding exon 14 of the CDH1 gene, results from a C to T substitution at nucleotide position 2293. This changes the amino acid from a glutamine to a stop codon within coding exon 14. This alteration has been observed in at least one individual with a personal and/or family history that is consistent with hereditary diffuse gastric cancer (Ambry internal data). This alteration is expected to result in loss of function by premature protein truncation or nonsense-mediated mRNA decay. As such, this alteration is interpreted as a disease-causing mutation.

Mendelics
Classification: Pathogenic for Hereditary diffuse gastric cancer. Last evaluated: 2018-07-02. Review status: criteria provided, single submitter. Criteria: Mendelics Assertion Criteria 2017. Collection method: clinical testing. Allele origin: unknown. Not counted in ClinVar's aggregate classification.

Literature cited by the submitters: PubMed 29156750 (cited by Clingen Gastric Cancer Variant Curation Expert Panel).